The following is an entry in ClinVar:

ClinVar aggregate classification (germline): Uncertain significance (1 of 4 stars; one submission).

Conditions:
CDX1-related disorder. Also called: CDX1-related condition.

Allele frequency attached by ClinVar (database versions not stated): TOPMed 0.00005; gnomAD 0.00006; gnomAD exomes 0.00016.

Submission:

PreventionGenetics, part of Exact Sciences
Classification: Uncertain significance for CDX1-related condition. Last evaluated: 2023-07-31. Review status: criteria provided, single submitter. Criteria: ACMG Guidelines, 2015. Collection method: clinical testing. Allele origin: germline.
Comment: The CDX1 c.430G>A variant is predicted to result in the amino acid substitution p.Gly144Ser. To our knowledge, this variant has not been reported in the literature. This variant is reported in 0.0063% of alleles in individuals of European (Non-Finnish) descent in gnomAD. At this time, the clinical significance of this variant is uncertain due to the absence of conclusive functional and genetic evidence.

NM_001804.3(CDX1):c.430G>A (p.Gly144Ser)

Gene: CDX1 (caudal type homeobox 1; plus strand). Cytogenetic location: 5q32.
Variant type: single nucleotide variant.
Coding change: c.430G>A on transcript NM_001804.3 (MANE Select); coding-DNA position 430, G replaced by A.
Protein change: p.Gly144Ser; replaces glycine 144 with serine.
Molecular consequence: missense variant.
Genome position (GRCh38, 1-based): chr5:150,167,306, G>A. VCF-style: chr5-150167306-G-A. GRCh37 (hg19) VCF-style: chr5-149546869-G-A.
Other names: short protein forms G144S.
Identifiers: ClinVar variation 2634616 (VCV002634616.1), dbSNP rs1025932686, ClinGen allele CA129092912.